The following is an entry in ClinVar:

NM_001034853.2(RPGR):c.469+4A>G

Gene: RPGR (retinitis pigmentosa GTPase regulator; minus strand). Cytogenetic location: Xp11.4.
Variant type: single nucleotide variant.
Coding change: c.469+4A>G on transcript NM_001034853.2 (MANE Select); 4 bases into the intron after coding-DNA position 469, A replaced by G.
Molecular consequence: intron variant.
Genome position (GRCh38, 1-based): chrX:38,318,825, T>C on the plus strand (A>G on the coding strand, the complement: RPGR is on the minus strand). VCF-style: chrX-38318825-T-C. GRCh37 (hg19) VCF-style: chrX-38178078-T-C.
Other names: c.466+4A>G (NM_001367249.1); c.469+4A>G (NM_001367250.1, NM_001367245.1, NM_001367251.1 and 3 more transcripts); c.499+4A>G (NM_001367248.1).
Identifiers: ClinVar variation 2020891 (VCV002020891.5), dbSNP rs2519894326, ClinGen allele CA2580100818.

ClinVar aggregate classification (germline): Conflicting classifications of pathogenicity. Review status: criteria provided, conflicting classifications (1 of 4 stars). 2 submissions from 2 submitters: Likely pathogenic (1); Uncertain significance (1). Last evaluated 2022-07-31.

Conditions:
Primary ciliary dyskinesia. Also called: Ciliary dyskinesia. Identifiers: Orphanet 244, MedGen C0008780, MONDO:0016575, HP:0012265.
RPGR-related disorder. Also called: RPGR-related condition.

Submissions (2):

Labcorp Genetics (formerly Invitae), Labcorp
Classification: Uncertain significance for Primary ciliary dyskinesia. Last evaluated: 2022-07-31. Review status: criteria provided, single submitter. Criteria: Invitae Variant Classification Sherloc (09022015). Collection method: clinical testing. Allele origin: germline.
Comment: In summary, the available evidence is currently insufficient to determine the role of this variant in disease. Therefore, it has been classified as a Variant of Uncertain Significance. Variants that disrupt the consensus splice site are a relatively common cause of aberrant splicing (PMID: 17576681, 9536098). Algorithms developed to predict the effect of sequence changes on RNA splicing suggest that this variant may disrupt the consensus splice site. This variant has been observed in individual(s) with retinitis pigmentosa (Invitae). This variant is not present in population databases (gnomAD no frequency). This sequence change falls in intron 5 of the RPGR gene. It does not directly change the encoded amino acid sequence of the RPGR protein. It affects a nucleotide within the consensus splice site.

Blueprint Genetics
Classification: Likely pathogenic for RPGR-related disorders. Last evaluated: 2019-10-31. Review status: criteria provided, single submitter. Criteria: ACMG Guidelines, 2015. Collection method: clinical testing. Allele origin: germline. Affected: yes. Observed: 1 variant allele.

Literature cited by the submitters: PubMed 17576681 (cited by Labcorp Genetics (formerly Invitae), Labcorp); PubMed 9536098 (cited by Labcorp Genetics (formerly Invitae), Labcorp).